The following is an entry in ClinVar:

NM_198576.4(AGRN):c.2833G>A (p.Gly945Ser)

Gene: AGRN (agrin; plus strand). Cytogenetic location: 1p36.33.
Variant type: single nucleotide variant.
Coding change: c.2833G>A on transcript NM_198576.4 (MANE Select); coding-DNA position 2833, G replaced by A.
Protein change: p.Gly945Ser; replaces glycine 945 with serine.
Molecular consequence: missense variant.
Genome position (GRCh38, 1-based): chr1:1,046,187, G>A. VCF-style: chr1-1046187-G-A. GRCh37 (hg19) VCF-style: chr1-981567-G-A.
Other names: c.2833G>A, p.Gly945Ser (NM_001305275.2); c.2518G>A, p.Gly840Ser (NM_001364727.2); short protein forms G945S, G840S.
Identifiers: ClinVar variation 1038079 (VCV001038079.7), dbSNP rs911274904, ClinGen allele CA16757786.
Genomic context (GRCh38, chr1:1,046,187, plus strand): 5'-CCTCGCCTTGAACATCCTTGTTCTCTGCCCCAGGTCTGTGGGTCAGATGGAGTCACATAC[G>A]GCAACGAGTGTCAGCTGAAGACCATCGCCTGCCGCCAGGGCCTGCAAATCTCTATCCAGA-3'
Protein context (NP_940978.2, residues 935-955): KVCGSDGVTY[Gly945Ser]NECQLKTIAC

ClinVar aggregate classification (germline): Uncertain significance (1 of 4 stars; one submission).

Conditions:
Congenital myasthenic syndrome 8. Also called: MYASTHENIC SYNDROME, CONGENITAL, DUE TO AGRIN DEFICIENCY; Myasthenic syndrome, congenital, 8, with pre- and postsynaptic defects. Identifiers: Orphanet 590, MedGen C3808739, MONDO:0014052, OMIM 615120.

Allele frequency attached by ClinVar (database versions not stated): TOPMed below 0.00001.
gnomAD v4.1: 3 of 1,613,686 alleles (0.00019%); highest among the groups gnomAD compares: Non-Finnish European, 0.00017%; no homozygotes.

Submission:

Labcorp Genetics (formerly Invitae), Labcorp
Classification: Uncertain significance for Congenital myasthenic syndrome 8. Last evaluated: 2022-02-19. Review status: criteria provided, single submitter. Criteria: Invitae Variant Classification Sherloc (09022015). Collection method: clinical testing. Allele origin: germline.
Comment: In summary, the available evidence is currently insufficient to determine the role of this variant in disease. Therefore, it has been classified as a Variant of Uncertain Significance. Algorithms developed to predict the effect of missense changes on protein structure and function are either unavailable or do not agree on the potential impact of this missense change (SIFT: "Deleterious"; PolyPhen-2: "Probably Damaging"; Align-GVGD: "Class C0"). ClinVar contains an entry for this variant (Variation ID: 1038079). This variant has not been reported in the literature in individuals affected with AGRN-related conditions. This variant is not present in population databases (gnomAD no frequency). This sequence change replaces glycine, which is neutral and non-polar, with serine, which is neutral and polar, at codon 945 of the AGRN protein (p.Gly945Ser).